The following is an entry in ClinVar:

ClinVar aggregate classification (germline): Uncertain significance (1 of 4 stars; one submission).

Conditions:
Epilepsy, childhood absence, susceptibility to, 1. Also called: Epilepsy, childhood absence 1. Identifiers: Orphanet 64280, MedGen C1838604, MONDO:0020759, OMIM 600131.
Epilepsy, childhood absence, susceptibility to, 5. Identifiers: Orphanet 64280, MedGen C2677087, MONDO:0012843, OMIM 612269.

Submission:

Labcorp Genetics (formerly Invitae), Labcorp
Classification: Uncertain significance for Epilepsy, childhood absence, susceptibility to, 5; Epilepsy, childhood absence, susceptibility to, 1. Last evaluated: 2024-02-01. Review status: criteria provided, single submitter. Criteria: Invitae Variant Classification Sherloc (09022015). Collection method: clinical testing. Allele origin: germline.
Comment: This sequence change replaces tyrosine, which is neutral and polar, with histidine, which is basic and polar, at codon 151 of the GABRB3 protein (p.Tyr151His). This variant is not present in population databases (gnomAD no frequency). This variant has not been reported in the literature in individuals affected with GABRB3-related conditions. Advanced modeling of protein sequence and biophysical properties (such as structural, functional, and spatial information, amino acid conservation, physicochemical variation, residue mobility, and thermodynamic stability) performed at Invitae indicates that this missense variant is expected to disrupt GABRB3 protein function with a positive predictive value of 95%. In summary, the available evidence is currently insufficient to determine the role of this variant in disease. Therefore, it has been classified as a Variant of Uncertain Significance.

NM_000814.6(GABRB3):c.451T>C (p.Tyr151His)

Gene: GABRB3 (gamma-aminobutyric acid type A receptor subunit beta3; minus strand). Cytogenetic location: 15q12.
Variant type: single nucleotide variant.
Coding change: c.451T>C on transcript NM_000814.6 (MANE Select); coding-DNA position 451, T replaced by C.
Protein change: p.Tyr151His; replaces tyrosine 151 with histidine.
Molecular consequence: missense variant. On other transcripts: non-coding transcript variant (1).
Genome position (GRCh38, 1-based): chr15:26,621,324, A>G on the plus strand (T>C on the coding strand, the complement: GABRB3 is on the minus strand). VCF-style: chr15-26621324-A-G. GRCh37 (hg19) VCF-style: chr15-26866471-A-G.
Other names: c.196T>C, p.Tyr66His (NM_001191320.2, NM_001278631.2); c.238T>C, p.Tyr80His (NM_001191321.3); c.451T>C, p.Tyr151His (NM_021912.5); short protein forms Y151H, Y66H, Y80H.
Identifiers: ClinVar variation 3754025 (VCV003754025.2).